The following is an entry in ClinVar:

NM_002080.4(GOT2):c.1170G>A (p.Gln390=)

Gene: GOT2 (glutamic-oxaloacetic transaminase 2; minus strand). Cytogenetic location: 16q21.
Variant type: single nucleotide variant.
Coding change: c.1170G>A on transcript NM_002080.4 (MANE Select); coding-DNA position 1170, G replaced by A.
Protein change: p.Gln390=; no amino-acid change (glutamine 390 retained).
Molecular consequence: synonymous variant.
Genome position (GRCh38, 1-based): chr16:58,709,417, C>T on the plus strand (G>A on the coding strand, the complement: GOT2 is on the minus strand). VCF-style: chr16-58709417-C-T. GRCh37 (hg19) VCF-style: chr16-58743321-C-T.
Other names: c.1041G>A, p.Gln347= (NM_001286220.2).
Identifiers: ClinVar variation 1935868 (VCV001935868.3), dbSNP rs1021375064, ClinGen allele CA281680637.

ClinVar aggregate classification (germline): Uncertain significance (1 of 4 stars; one submission).

Allele frequency attached by ClinVar (database versions not stated): gnomAD exomes below 0.00001; gnomAD 0.00001; TOPMed 0.00001.
gnomAD v4.1: 2 of 1,593,576 alleles (0.00013%); highest among the groups gnomAD compares: African/African-American, 0.0027%; no homozygotes.

Submission:

Labcorp Genetics (formerly Invitae), Labcorp
Classification: Uncertain significance. Last evaluated: 2025-02-10. Review status: criteria provided, single submitter. Criteria: Invitae Variant Classification Sherloc (09022015). Collection method: clinical testing. Allele origin: germline.
Comment: This sequence change affects codon 390 of the GOT2 mRNA. It is a 'silent' change, meaning that it does not change the encoded amino acid sequence of the GOT2 protein. This variant also falls at the last nucleotide of exon 9, which is part of the consensus splice site for this exon. This variant is not present in population databases (gnomAD no frequency). This variant has not been reported in the literature in individuals affected with GOT2-related conditions. ClinVar contains an entry for this variant (Variation ID: 1935868). Variants that disrupt the consensus splice site are a relatively common cause of aberrant splicing (PMID: 17576681, 9536098). Algorithms developed to predict the effect of sequence changes on RNA splicing suggest that this variant is not likely to affect RNA splicing. In summary, the available evidence is currently insufficient to determine the role of this variant in disease. Therefore, it has been classified as a Variant of Uncertain Significance.

Literature cited by the submitters: PubMed 17576681; PubMed 9536098.